The following is an entry in ClinVar:

NM_004612.4(TGFBR1):c.843_851del (p.Asp281_His283del)

Gene: TGFBR1 (transforming growth factor beta receptor 1; plus strand). Cytogenetic location: 9q22.33.
Variant type: Deletion.
Coding change: c.843_851del on transcript NM_004612.4 (MANE Select); coding-DNA positions 843 to 851, 9 bases deleted (TTATCATGA; older notation c.843_851delTTATCATGA).
Protein change: p.Asp281_His283del.
Molecular consequence: inframe deletion. On other transcripts: non-coding transcript variant (4), intron variant (2).
Genome position (GRCh38, 1-based): chr9:99,142,573-99,142,581, TTATCATGA deleted; deleting any 9 consecutive bases within chr9:99,142,571-99,142,581 gives the same sequence; the c. name uses the placement nearest the transcript's 3' end. VCF-style (leftmost placement, unchanged base first): chr9-99142570-AGATTATCAT-A. GRCh37 (hg19) VCF-style: chr9-101904852-AGATTATCAT-A.
Other names: c.612_620del, p.Asp204_His206del (NM_001130916.3, NM_001407435.1); c.855_863del, p.Asp285_His287del (NM_001306210.2); c.648_656del, p.Asp216_His218del (NM_001407418.1, NM_001407419.1, NM_001407420.1 and 1 more transcripts); c.636_644del, p.Asp212_His214del (NM_001407423.1, NM_001407424.1, NM_001407425.1 and 8 more transcripts); c.597_605del, p.Asp199_His201del (NM_001407436.1); c.135_143del, p.Asp45_His47del (NM_001407437.1); c.366_374del, p.Asp122_His124del (NM_001407438.1); c.818-2159_818-2151del (NM_001407416.1); and 1 more.
Identifiers: ClinVar variation 2862780 (VCV002862780.3), dbSNP rs2490223087, ClinGen allele CA2739264890.
Genomic context (GRCh38, chr9:99,142,570, plus strand): 5'-ACCGAAATGTTAATTCTGTTTTACAGACAATGGTACTTGGACTCAGCTCTGGTTGGTGTC[AGATTATCAT>A]GAGCATGGATCCCTTTTTGATTACTTAAACAGATACACAGTTACTGTGGAAGGAATGATA-3'

ClinVar aggregate classification (germline): Uncertain significance (1 of 4 stars; one submission).

Conditions:
Familial thoracic aortic aneurysm and aortic dissection (TAAD). Also called: Thoracic aortic aneurysms and dissections. Identifiers: Orphanet 91387, MedGen C4707243, MONDO:0019625.

Submission:

Labcorp Genetics (formerly Invitae), Labcorp
Classification: Uncertain significance for Familial thoracic aortic aneurysm and aortic dissection. Last evaluated: 2023-11-11. Review status: criteria provided, single submitter. Criteria: Invitae Variant Classification Sherloc (09022015). Collection method: clinical testing. Allele origin: germline.
Comment: This variant, c.843_851del, results in the deletion of 3 amino acid(s) of the TGFBR1 protein (p.Asp281_His283del), but otherwise preserves the integrity of the reading frame. This variant is not present in population databases (gnomAD no frequency). This variant has been observed in individual(s) with thoracic aortic aneurysm and dissection (Invitae). Experimental studies and prediction algorithms are not available or were not evaluated, and the functional significance of this variant is currently unknown. In summary, the available evidence is currently insufficient to determine the role of this variant in disease. Therefore, it has been classified as a Variant of Uncertain Significance.